The following is an entry in ClinVar:

ClinVar aggregate classification (germline): Uncertain significance (1 of 4 stars; one submission).

Conditions:
Arrhythmogenic right ventricular dysplasia 13. Also called: ARRHYTHMOGENIC RIGHT VENTRICULAR CARDIOMYOPATHY 13; Arrhythmogenic right ventricular dysplasia, familial, 13. Identifiers: MedGen C3810138, MONDO:0000908, OMIM 615616.

Allele frequency attached by ClinVar (database versions not stated): ExAC 0.00001; gnomAD exomes 0.00001 and 0.00002; gnomAD 0.00002; TOPMed 0.00002.

Submission:

Labcorp Genetics (formerly Invitae), Labcorp
Classification: Uncertain significance for Arrhythmogenic right ventricular dysplasia 13. Last evaluated: 2025-10-25. Review status: criteria provided, single submitter. Criteria: Invitae Variant Classification Sherloc (09022015). Collection method: clinical testing. Allele origin: germline.
Comment: This sequence change creates a premature translational stop signal (p.Pro6Hisfs*81) in the CTNNA3 gene. It is expected to result in an absent or disrupted protein product. However, the current clinical and genetic evidence is not sufficient to establish whether loss-of-function variants in CTNNA3 cause disease. This variant is present in population databases (rs776492451, gnomAD 0.002%). This variant has not been reported in the literature in individuals affected with CTNNA3-related conditions. ClinVar contains an entry for this variant (Variation ID: 1427824). In summary, the available evidence is currently insufficient to determine the role of this variant in disease. Therefore, it has been classified as a Variant of Uncertain Significance.

NM_013266.4(CTNNA3):c.16_17insA (p.Pro6fs)

Gene: CTNNA3 (catenin alpha 3; minus strand). Cytogenetic location: 10q21.3.
Variant type: Insertion.
Coding change: c.16_17insA on transcript NM_013266.4 (MANE Select); coding-DNA positions 16 to 17, A inserted.
Protein change: p.Pro6fs; shifts the reading frame from proline 6.
Molecular consequence: frameshift variant.
Genome position: GRCh38 VCF-style: chr10-67647497-G-GT. GRCh37 (hg19) VCF-style: chr10-69407255-G-GT.
Other names: c.16_17insA, p.Pro6fs (NM_001127384.3); c.52_53insA, p.Pro18fs (NM_001291133.2); short protein forms P18fs, P6fs.
Identifiers: ClinVar variation 1427824 (VCV001427824.6), dbSNP rs776492451, ClinGen allele CA5520729.
Genomic context (GRCh38, chr10:67,647,497, plus strand): 5'-AGCTTCTCCACGGTGAATGTTTGGACCTGCAGATCCTGAGGATCGATATTCAATGTGATT[G>GT]GTGTTTCAGCTGACATGCTGCCTGTGCACAAACACAAAAGGATGCTTATTAATAAAGAAA-3'